The following is an entry in ClinVar:

NM_006642.5(SDCCAG8):c.307-4A>G

Gene: SDCCAG8 (SHH signaling and ciliogenesis regulator SDCCAG8; plus strand). Cytogenetic location: 1q43.
Variant type: single nucleotide variant.
Coding change: c.307-4A>G on transcript NM_006642.5 (MANE Select); 4 bases into the intron before coding-DNA position 307, A replaced by G.
Molecular consequence: intron variant.
Genome position (GRCh38, 1-based): chr1:243,274,539, A>G. VCF-style: chr1-243274539-A-G. GRCh37 (hg19) VCF-style: chr1-243437841-A-G.
Other names: c.13-4A>G (NM_001350249.2); c.-1067-4A>G (NM_001350251.2); c.307-4A>G (NM_001350248.2, NM_006642.3); c.-806-4A>G (NM_001350246.2); c.-694-4A>G (NM_001350247.2).
Identifiers: ClinVar variation 1956597 (VCV001956597.6), dbSNP rs557656507, ClinGen allele CA40413490.

ClinVar aggregate classification (germline): Likely benign. Review status: criteria provided, single submitter (1 of 4 stars). 2 submissions from 2 submitters: Likely benign (1). 1 of the submissions does not count toward it. Last evaluated 2025-02-01.

Conditions:
SDCCAG8-related disorder. Also called: SDCCAG8-Related Disorders; SDCCAG8-related condition.
Senior-Loken syndrome 7 (SLSN7). Identifiers: Orphanet 3156, MedGen C3150877, MONDO:0013326, OMIM 613615.
Bardet-Biedl syndrome 16 (BBS16). Identifiers: Orphanet 110, MedGen C3889474, MONDO:0014444, OMIM 615993.

Allele frequency attached by ClinVar (database versions not stated): gnomAD 0.00001; gnomAD exomes 0.00001; TOPMed 0.00001; 1000 Genomes Project 30x 0.00016; 1000 Genomes Project 0.00020.
gnomAD v4.1: 19 of 1,483,124 alleles (0.0013%); highest among the groups gnomAD compares: Non-Finnish European, 0.0017%; no homozygotes.

Submissions (2):

Labcorp Genetics (formerly Invitae), Labcorp
Classification: Likely benign for Bardet-Biedl syndrome 16; Senior-Loken syndrome 7. Last evaluated: 2025-02-01. Review status: criteria provided, single submitter. Criteria: Invitae Variant Classification Sherloc (09022015). Collection method: clinical testing. Allele origin: germline.

PreventionGenetics, part of Exact Sciences
Classification: Likely benign for SDCCAG8-related condition. Last evaluated: 2022-07-13. Review status: no assertion criteria provided. Collection method: clinical testing. Allele origin: germline. Not counted in ClinVar's aggregate classification.
Comment: This variant is classified as likely benign based on ACMG/AMP sequence variant interpretation guidelines (Richards et al. 2015 PMID: 25741868, with internal and published modifications).